The following is an entry in ClinVar:

NM_012330.4(KAT6B):c.5262T>C (p.Cys1754=)

Gene: KAT6B (lysine acetyltransferase 6B; plus strand). Cytogenetic location: 10q22.2.
Variant type: single nucleotide variant.
Coding change: c.5262T>C on transcript NM_012330.4 (MANE Select); coding-DNA position 5262, T replaced by C.
Protein change: p.Cys1754=; no amino-acid change (cysteine 1754 retained).
Molecular consequence: synonymous variant.
Genome position (GRCh38, 1-based): chr10:75,030,086, T>C. VCF-style: chr10-75030086-T-C. GRCh37 (hg19) VCF-style: chr10-76789844-T-C.
Other names: c.4713T>C, p.Cys1571= (NM_001256468.2, NM_001370138.1); c.4386T>C, p.Cys1462= (NM_001256469.2, NM_001370139.1, NM_001370140.1 and 2 more transcripts); c.4224T>C, p.Cys1408= (NM_001370132.1); c.3573T>C, p.Cys1191= (NM_001370133.1); c.3177T>C, p.Cys1059= (NM_001370134.1); c.2919T>C, p.Cys973= (NM_001370135.1); c.5262T>C, p.Cys1754= (NM_001370136.1, NM_001370137.1); c.4197T>C, p.Cys1399= (NM_001370143.1, NM_001370144.1).
Identifiers: ClinVar variation 1254232 (VCV001254232.12), dbSNP rs775997284, ClinGen allele CA5565162.

ClinVar aggregate classification (germline): Likely benign. Review status: criteria provided, multiple submitters, no conflicts (2 of 4 stars). 3 submissions from 3 submitters: Likely benign (3). Last evaluated 2026-06-01.

Conditions:
Genitopatellar syndrome (GTPTS). Also called: ABSENT PATELLAE, SCROTAL HYPOPLASIA, RENAL ANOMALIES, FACIAL DYSMORPHISM, AND MENTAL RETARDATION; Genitopatellar syndrome (GPS). Identifiers: Orphanet 85201, MedGen C1853566, MONDO:0011640, OMIM 606170.

Allele frequency attached by ClinVar (database versions not stated): gnomAD 0.00001; TOPMed 0.00002; gnomAD exomes 0.00003 and 0.00005; ExAC 0.00005.
gnomAD v4.1: 19 of 1,614,058 alleles (0.0012%); highest among the groups gnomAD compares: Admixed American, 0.03%; no homozygotes.

Submissions (3):

CeGaT Center for Human Genetics Tuebingen
Classification: Likely benign. Last evaluated: 2026-06-01. Review status: criteria provided, single submitter. Criteria: CeGaT Center For Human Genetics Tuebingen Variant Classification Criteria Version 2. Collection method: clinical testing. Allele origin: germline. Affected: yes. Observed: 1 variant allele.
Comment: KAT6B: BP4, BP7

Labcorp Genetics (formerly Invitae), Labcorp
Classification: Likely benign for Genitopatellar syndrome. Last evaluated: 2025-08-03. Review status: criteria provided, single submitter. Criteria: Invitae Variant Classification Sherloc (09022015). Collection method: clinical testing. Allele origin: germline.

GeneDx
Classification: Likely benign. Last evaluated: 2021-02-02. Review status: criteria provided, single submitter. Criteria: GeneDx Variant Classification Process June 2021. Collection method: clinical testing. Allele origin: germline. Affected: yes.